The following is an entry in ClinVar:

ClinVar aggregate classification (germline): Likely benign. Review status: criteria provided, multiple submitters, no conflicts (2 of 4 stars). 3 submissions from 3 submitters: Likely benign (3). Last evaluated 2024-02-22.

Conditions:
Familial adenomatous polyposis 1 (FAP1). Also called: POLYPOSIS, ADENOMATOUS INTESTINAL; FAMILIAL ADENOMATOUS POLYPOSIS 1, ATTENUATED. Identifiers: MedGen C2713442, MONDO:0021056, OMIM 175100. Disease mechanism: loss of function.
Hereditary cancer-predisposing syndrome. Also called: Hereditary Cancer Syndrome; Neoplastic Syndromes, Hereditary; Tumor predisposition; Hereditary neoplastic syndrome. Identifiers: Orphanet 140162, MedGen C0027672, MeSH D009386, MONDO:0015356.

Allele frequency attached by ClinVar (database versions not stated): gnomAD exomes below 0.00001; TOPMed below 0.00001; gnomAD 0.00001.
gnomAD v4.1: 7 of 1,463,738 alleles (0.00048%); highest among the groups gnomAD compares: Non-Finnish European, 0.00067%; no homozygotes.

Submissions (3):

Myriad Genetics, Inc.
Classification: Likely benign for Familial adenomatous polyposis 1. Last evaluated: 2024-02-22. Review status: criteria provided, single submitter. Criteria: Myriad Autosomal Dominant, Autosomal Recessive and X-Linked Classification Criteria (2023). Collection method: clinical testing. Allele origin: unknown.
Comment: This variant is considered likely benign. This variant is intronic and is not expected to impact mRNA splicing.

Labcorp Genetics (formerly Invitae), Labcorp
Classification: Likely benign for Familial adenomatous polyposis 1. Last evaluated: 2023-02-23. Review status: criteria provided, single submitter. Criteria: Invitae Variant Classification Sherloc (09022015). Collection method: clinical testing. Allele origin: germline.

Color Diagnostics, LLC DBA Color Health
Classification: Likely benign for Hereditary cancer-predisposing syndrome. Last evaluated: 2017-05-17. Review status: criteria provided, single submitter. Criteria: ACMG Guidelines, 2015. Collection method: clinical testing. Allele origin: germline.

NM_000038.6(APC):c.136-20T>C

Gene: APC (APC regulator of Wnt signaling pathway; plus strand). Cytogenetic location: 5q22.2.
Variant type: single nucleotide variant.
Coding change: c.136-20T>C on transcript NM_000038.6 (MANE Select); 20 bases into the intron before coding-DNA position 136, T replaced by C.
Molecular consequence: intron variant.
Genome position (GRCh38, 1-based): chr5:112,766,306, T>C. VCF-style: chr5-112766306-T-C. GRCh37 (hg19) VCF-style: chr5-112102003-T-C.
Other names: c.136-20T>C (NM_001354895.2, NM_001127510.3, NM_001354896.2 and 2 more transcripts); c.166-20T>C (NM_001354897.2, NM_001354902.2, NM_001127511.3); c.61-20T>C (NM_001354898.2, NM_001354904.2); c.-900-20T>C (NM_001354906.2); c.-42-20T>C (NM_001354900.2, NM_001354901.2, NM_001354905.2).
Identifiers: ClinVar variation 490198 (VCV000490198.12), dbSNP rs1219730982, ClinGen allele CA561903216.